The following is an entry in ClinVar:

ClinVar aggregate classification (germline): Likely benign. Review status: criteria provided, multiple submitters, no conflicts (2 of 4 stars). 3 submissions from 3 submitters: Likely benign (3). Last evaluated 2025-09-23.

Conditions:
Intellectual developmental disorder, autosomal dominant 1. Also called: MBD5 Haploinsufficiency; Intellectual disability, autosomal dominant 1. Identifiers: Orphanet 228402, MedGen C1969562, MONDO:0007974, OMIM 156200.

Allele frequency attached by ClinVar (database versions not stated): ExAC 0.00001; gnomAD exomes below 0.00001.
gnomAD v4.1: 5 of 1,613,970 alleles (0.00031%); highest among the groups gnomAD compares: Non-Finnish European, 0.00042%; no homozygotes.

Submissions (3):

Women's Health and Genetics/Laboratory Corporation of America, LabCorp
Classification: Likely benign. Last evaluated: 2025-09-23. Review status: criteria provided, single submitter. Criteria: LabCorp Variant Classification Summary - May 2015. Collection method: clinical testing. Allele origin: germline.

Labcorp Genetics (formerly Invitae), Labcorp
Classification: Likely benign for Intellectual developmental disorder, autosomal dominant 1. Last evaluated: 2025-08-22. Review status: criteria provided, single submitter. Criteria: Invitae Variant Classification Sherloc (09022015). Collection method: clinical testing. Allele origin: germline.

GeneDx
Classification: Likely benign. Last evaluated: 2016-07-06. Review status: criteria provided, single submitter. Criteria: GeneDx Variant Classification (06012015). Collection method: clinical testing. Allele origin: germline. Affected: yes.
Comment: This variant is considered likely benign or benign based on one or more of the following criteria: it is a conservative change, it occurs at a poorly conserved position in the protein, it is predicted to be benign by multiple in silico algorithms, and/or has population frequency not consistent with disease.

NM_001378120.1(MBD5):c.939A>G (p.Pro313=)

Gene: MBD5 (methyl-CpG binding domain protein 5; plus strand). Cytogenetic location: 2q23.1.
Variant type: single nucleotide variant.
Coding change: c.939A>G on transcript NM_001378120.1 (MANE Select); coding-DNA position 939, A replaced by G.
Protein change: p.Pro313=; no amino-acid change (proline 313 retained).
Molecular consequence: synonymous variant.
Genome position (GRCh38, 1-based): chr2:148,468,882, A>G. VCF-style: chr2-148468882-A-G. GRCh37 (hg19) VCF-style: chr2-149226451-A-G.
Other names: c.939A>G, p.Pro313= (NM_018328.5).
Identifiers: ClinVar variation 387501 (VCV000387501.11), dbSNP rs781250091, ClinGen allele CA1899943.